The following is an entry in ClinVar:

NM_001374828.1(ARID1B):c.988C>A (p.Arg330Ser)

Gene: ARID1B (AT-rich interaction domain 1B; plus strand). Cytogenetic location: 6q25.3.
Variant type: single nucleotide variant.
Coding change: c.988C>A on transcript NM_001374828.1 (MANE Select); coding-DNA position 988, C replaced by A.
Protein change: p.Arg330Ser; replaces arginine 330 with serine.
Molecular consequence: missense variant.
Genome position (GRCh38, 1-based): chr6:156,778,668, C>A. VCF-style: chr6-156778668-C-A. GRCh37 (hg19) VCF-style: chr6-157099802-C-A.
Other names: c.988C>A, p.Arg330Ser (NM_001371656.1, NM_001374820.1, NM_017519.3); short protein forms R330S.
Identifiers: ClinVar variation 1698548 (VCV001698548.1), dbSNP rs2114981971, ClinGen allele CA366382697.

ClinVar aggregate classification (germline): Uncertain significance (1 of 4 stars; one submission).

gnomAD v4.1: 7 of 1,484,492 alleles (0.00047%); highest among the groups gnomAD compares: Non-Finnish European, 0.00063%; no homozygotes.

Submission:

Women's Health and Genetics/Laboratory Corporation of America, LabCorp
Classification: Uncertain significance. Last evaluated: 2022-06-13. Review status: criteria provided, single submitter. Criteria: LabCorp Variant Classification Summary - May 2015. Collection method: clinical testing. Allele origin: germline.
Comment: Variant summary: ARID1B c.988C>A (p.Arg330Ser) results in a non-conservative amino acid change in the encoded protein sequence. Two of four in-silico tools predict a benign effect of the variant on protein function. The variant was absent in 103556 control chromosomes (gnomAD). The available data on variant occurrences in the general population are insufficient to allow any conclusion about variant significance. To our knowledge, no occurrence of c.988C>A in individuals affected with Coffin-Siris Syndrome 1 and no experimental evidence demonstrating its impact on protein function have been reported. No clinical diagnostic laboratories have submitted clinical-significance assessments for this variant to ClinVar after 2014. Based on the evidence outlined above, the variant was classified as uncertain significance.